The following is an entry in ClinVar:

NM_006767.4(LZTR1):c.1604A>C (p.Tyr535Ser)

Gene: LZTR1 (leucine zipper like post translational regulator 1; plus strand). Cytogenetic location: 22q11.21.
Variant type: single nucleotide variant.
Coding change: c.1604A>C on transcript NM_006767.4 (MANE Select); coding-DNA position 1604, A replaced by C.
Protein change: p.Tyr535Ser; replaces tyrosine 535 with serine.
Molecular consequence: missense variant.
Genome position (GRCh38, 1-based): chr22:20,994,258, A>C. VCF-style: chr22-20994258-A-C. GRCh37 (hg19) VCF-style: chr22-21348547-A-C.
Other names: short protein forms Y535S.
Identifiers: ClinVar variation 3238110 (VCV003238110.1), dbSNP rs2518621118.

ClinVar aggregate classification (germline): Uncertain significance (1 of 4 stars; one submission).

Conditions:
Hereditary cancer-predisposing syndrome. Also called: Neoplastic Syndromes, Hereditary; Tumor predisposition; Hereditary neoplastic syndrome; Hereditary Cancer Syndrome. Identifiers: Orphanet 140162, MedGen C0027672, MeSH D009386, MONDO:0015356.
Cardiovascular phenotype. Identifiers: MedGen CN230736.

Submission:

Ambry Genetics
Classification: Uncertain significance for Cardiovascular phenotype; Hereditary cancer-predisposing syndrome. Last evaluated: 2023-09-25. Review status: criteria provided, single submitter. Criteria: Ambry Variant Classification Scheme 2023. Collection method: clinical testing. Allele origin: germline.
Comment: The p.Y535S variant (also known as c.1604A>C), located in coding exon 14 of the LZTR1 gene, results from an A to C substitution at nucleotide position 1604. The tyrosine at codon 535 is replaced by serine, an amino acid with dissimilar properties. This amino acid position is conserved. In addition, this alteration is predicted to be deleterious by in silico analysis. Since supporting evidence is limited at this time, the clinical significance of this alteration remains unclear.